The following is an entry in ClinVar:

NM_001386298.1(CIC):c.4031_4033del (p.Thr1344del)

Gene: CIC (capicua transcriptional repressor; plus strand). Cytogenetic location: 19q13.2.
Variant type: Deletion.
Coding change: c.4031_4033del on transcript NM_001386298.1 (MANE Select); coding-DNA positions 4031 to 4033, 3 bases deleted (CGA; older notation c.4031_4033delCGA).
Protein change: p.Thr1344del; deletes threonine 1344.
Molecular consequence: inframe deletion.
Genome position (GRCh38, 1-based): chr19:42,289,350-42,289,352, CGA deleted; deleting any 3 consecutive bases within chr19:42,289,348-42,289,352 gives the same sequence; the c. name uses the placement nearest the transcript's 3' end. VCF-style (leftmost placement, unchanged base first): chr19-42289347-TGAC-T. GRCh37 (hg19) VCF-style: chr19-42793499-TGAC-T.
Other names: c.4031_4033del, p.Thr1344del (NM_001304815.2, NM_001379480.1, NM_001379482.1); c.1304_1306del, p.Thr435del (NM_001379484.1, NM_001379485.1, NM_015125.5); short protein forms T1344del, T435del.
Identifiers: ClinVar variation 1310461 (VCV001310461.2), dbSNP rs2037903760, ClinGen allele CA996044955.
Genomic context (GRCh38, chr19:42,289,347, plus strand): 5'-GGCGGCCCCCGCTGCTGCCCACCCGAGCTTCTCGTTCTCAGCGTGCGGCCAGTGAGGACA[TGAC>T]GAGTGATGAGGAGCGCATGGTCATCTGTGAGGAGGAAGGGGATGATGATGTCATTGGTGA-3'

ClinVar aggregate classification (germline): Uncertain significance (1 of 4 stars; one submission).

Submission:

GeneDx
Classification: Uncertain significance. Last evaluated: 2019-12-19. Review status: criteria provided, single submitter. Criteria: GeneDx Variant Classification Process June 2021. Collection method: clinical testing. Allele origin: germline. Affected: yes.
Comment: Not observed in large population cohorts (Lek et al., 2016); In-frame deletion of 1 amino acid in a non-repeat region; In silico analysis, which includes protein predictors and evolutionary conservation, supports a deleterious effect; Has not been previously published as pathogenic or benign to our knowledge